The following is an entry in ClinVar:

NM_001110556.2(FLNA):c.7224C>T (p.Gly2408=)

Gene: FLNA (filamin A; minus strand). Cytogenetic location: Xq28.
Variant type: single nucleotide variant.
Coding change: c.7224C>T on transcript NM_001110556.2 (MANE Select); coding-DNA position 7224, C replaced by T.
Protein change: p.Gly2408=; no amino-acid change (glycine 2408 retained).
Molecular consequence: synonymous variant.
Genome position (GRCh38, 1-based): chrX:154,350,140, G>A on the plus strand (C>T on the coding strand, the complement: FLNA is on the minus strand). VCF-style: chrX-154350140-G-A. GRCh37 (hg19) VCF-style: chrX-153578508-G-A.
Other names: p.G2400G:GGC>GGT; p.Gly2400=; c.7200C>T, p.Gly2400= (NM_001456.4); c.7224C>T (NM_001110556.1).
Identifiers: ClinVar variation 129076 (VCV000129076.40), dbSNP rs12008807, ClinGen allele CA288874.

ClinVar aggregate classification (germline): Benign. Review status: criteria provided, multiple submitters, no conflicts (2 of 4 stars). 12 submissions from 12 submitters: Benign (9). 3 of the submissions do not count toward it. Last evaluated 2026-03-27.

Conditions:
Heterotopia, periventricular, X-linked dominant (PVNH1). Also called: PERIVENTRICULAR NODULAR HETEROTOPIA 4; HETEROTOPIA, PERIVENTRICULAR, 1; PERIVENTRICULAR NODULAR HETEROTOPIA 1; X-linked periventricular heterotopia. Identifiers: Orphanet 2149, Orphanet 82004, MedGen C1848213, MONDO:0010233, OMIM 300049.
Melnick-Needles syndrome (MNS). Also called: MELNICK-NEEDLES OSTEODYSPLASTY; OSTEODYSPLASTY OF MELNICK AND NEEDLES; Melnick-Needles Syndrome (FLNA-MNS). Identifiers: Orphanet 2484, MedGen C0025237, MONDO:0010650, OMIM 309350.
Frontometaphyseal dysplasia (FMD1). Identifiers: Orphanet 1826, MedGen C0265293, MONDO:0015942.
Oto-palato-digital syndrome, type II (OPD2). Also called: Otopalatodigital Syndrome, Type II; OPD II SYNDROME; FACIOPALATOOSSEOUS SYNDROME; Otopalatodigital Syndrome Type 2 (FLNA-OPD2). Identifiers: Orphanet 669, Orphanet 90652, MedGen C1844696, MONDO:0010571, OMIM 304120.
Familial thoracic aortic aneurysm and aortic dissection (TAAD). Also called: Thoracic aortic aneurysms and dissections. Identifiers: Orphanet 91387, MedGen C4707243, MONDO:0019625.

Allele frequency attached by ClinVar (database versions not stated): ExAC 0.00779; gnomAD 0.02376 and 0.02548; 1000 Genomes Project 0.02728; ESP Exome Variant Server 0.02788; gnomAD exomes 0.00250 and 0.00654; TOPMed 0.02725; 1000 Genomes Project 30x 0.02955.
gnomAD v4.1: 5,590 of 1,210,095 alleles (0.46%); highest among the groups gnomAD compares: African/African-American, 8.2%; 168 homozygotes.

Submissions (12):

Molecular Diagnostic Laboratory for Inherited Cardiovascular Disease, Montreal Heart Institute
Classification: Benign. Last evaluated: 2026-03-27. Review status: criteria provided, single submitter. Criteria: ACMG Guidelines, 2015. Collection method: clinical testing. Allele origin: germline. Affected: no.
Comment: BA1;BP7

Labcorp Genetics (formerly Invitae), Labcorp
Classification: Benign for Oto-palato-digital syndrome, type II; Heterotopia, periventricular, X-linked dominant; Frontometaphyseal dysplasia; Melnick-Needles syndrome. Last evaluated: 2026-02-04. Review status: criteria provided, single submitter. Criteria: Invitae Variant Classification Sherloc (09022015). Collection method: clinical testing. Allele origin: germline.

ARUP Laboratories, Molecular Genetics and Genomics, ARUP Laboratories
Classification: Benign. Last evaluated: 2025-07-14. Review status: criteria provided, single submitter. Criteria: ARUP Molecular Germline Variant Investigation Process 2024. Collection method: clinical testing. Allele origin: germline.

Athena Diagnostics
Classification: Benign. Last evaluated: 2025-01-03. Review status: criteria provided, single submitter. Criteria: Athena Diagnostics Criteria. Collection method: clinical testing. Allele origin: unknown.
Comment: The frequency of this variant in the general population is higher than would generally be expected for pathogenic variants in this gene.

Mayo Clinic Laboratories, Mayo Clinic
Classification: Benign. Last evaluated: 2023-08-04. Review status: criteria provided, single submitter. Criteria: ACMG Guidelines, 2015. Collection method: clinical testing. Allele origin: germline. Observed: 73 variant alleles.

Women's Health and Genetics/Laboratory Corporation of America, LabCorp
Classification: Benign. Last evaluated: 2023-07-21. Review status: criteria provided, single submitter. Criteria: LabCorp Variant Classification Summary - May 2015. Collection method: clinical testing. Allele origin: germline.

Ambry Genetics
Classification: Benign for Familial thoracic aortic aneurysm and aortic dissection. Last evaluated: 2014-12-13. Review status: criteria provided, single submitter. Criteria: Ambry Variant Classification Scheme 2023. Collection method: clinical testing. Allele origin: germline.

GeneDx
Classification: Benign. Last evaluated: 2014-05-17. Review status: criteria provided, single submitter. Criteria: GeneDx Variant Classification (06012015). Collection method: clinical testing. Allele origin: germline. Affected: yes.
Comment: This variant is considered likely benign or benign based on one or more of the following criteria: it is a conservative change, it occurs at a poorly conserved position in the protein, it is predicted to be benign by multiple in silico algorithms, and/or has population frequency not consistent with disease.

Breakthrough Genomics
Classification: Benign. Review status: criteria provided, single submitter. Criteria: ACMG Guidelines, 2015. Collection method: not provided. Allele origin: germline. Inheritance: X-linked inheritance. Affected: yes.

Clinical Genetics DNA and cytogenetics Diagnostics Lab, Erasmus MC, Erasmus Medical Center
Classification: Benign. Review status: no assertion criteria provided. Collection method: clinical testing. Allele origin: germline. Affected: yes. Study: VKGL Data-share Consensus. Not counted in ClinVar's aggregate classification.

Genetic Services Laboratory, University of Chicago
Classification: Likely benign for AllHighlyPenetrant. Review status: no assertion criteria provided. Collection method: clinical testing. Allele origin: germline. Inheritance: X-linked inheritance. Not counted in ClinVar's aggregate classification.
Comment: Likely benign based on allele frequency in 1000 Genomes Project or ESP global frequency and its presence in a patient with a rare or unrelated disease phenotype. NOT Sanger confirmed.

Genome Diagnostics Laboratory, Amsterdam University Medical Center
Classification: Benign. Review status: no assertion criteria provided. Collection method: clinical testing. Allele origin: germline. Affected: yes. Study: VKGL Data-share Consensus. Not counted in ClinVar's aggregate classification.